The following is an entry in ClinVar:

ClinVar aggregate classification (germline): Uncertain significance (1 of 4 stars; one submission).

Submission:

Ambry Genetics
Classification: Uncertain significance. Last evaluated: 2025-03-20. Review status: criteria provided, single submitter. Criteria: Ambry Variant Classification Scheme 2023. Collection method: clinical testing. Allele origin: germline.
Comment: The p.G51R variant (also known as c.151G>A), located in coding exon 1 of the GALNT12 gene, results from a G to A substitution at nucleotide position 151. The glycine at codon 51 is replaced by arginine, an amino acid with dissimilar properties. This amino acid position is conserved. In addition, this alteration is predicted to be tolerated by in silico analysis. Based on the available evidence, the clinical significance of this variant remains unclear.

NM_024642.5(GALNT12):c.151G>A (p.Gly51Arg)

Gene: GALNT12 (polypeptide N-acetylgalactosaminyltransferase 12; plus strand). Cytogenetic location: 9q22.33.
Variant type: single nucleotide variant.
Coding change: c.151G>A on transcript NM_024642.5 (MANE Select); coding-DNA position 151, G replaced by A.
Protein change: p.Gly51Arg; replaces glycine 51 with arginine.
Molecular consequence: missense variant.
Genome position (GRCh38, 1-based): chr9:98,807,849, G>A. VCF-style: chr9-98807849-G-A. GRCh37 (hg19) VCF-style: chr9-101570131-G-A.
Other names: short protein forms G51R.
Identifiers: ClinVar variation 4027993 (VCV004027993.1).
Genomic context (GRCh38, chr9:98,807,849, plus strand): 5'-GCCGGGCTGGGCTCGGTGCTGCGGGCGCAGCGTGGGGCCGGGGCCGGGGCTGCCGAGCCG[G>A]GACCCCCGCGCACCCCGCGCCCCGGGCGGCGCGAGCCGGTCATGCCGCGGCCGCCGGTGC-3'
Protein context (NP_078918.3, residues 41-61): RGAGAGAAEP[Gly51Arg]PPRTPRPGRR